The following is an entry in ClinVar:

NM_052844.4(DYNC2I2):c.347_348del (p.Glu116fs)

Gene: DYNC2I2 (dynein 2 intermediate chain 2; minus strand). Cytogenetic location: 9q34.11.
Variant type: Deletion.
Coding change: c.347_348del on transcript NM_052844.4 (MANE Select); coding-DNA positions 347 to 348, 2 bases deleted (AG; older notation c.347_348delAG).
Protein change: p.Glu116fs; shifts the reading frame from glutamic acid 116.
Molecular consequence: frameshift variant.
Genome position (GRCh38, 1-based): chr9:128,640,778-128,640,779, CT deleted on the plus strand (AG on the coding strand, the reverse complement: DYNC2I2 is on the minus strand); deleting any 2 consecutive bases within chr9:128,640,778-128,640,780 gives the same sequence; the c. name uses the placement nearest the transcript's 3' end. VCF-style (leftmost placement, unchanged base first): chr9-128640777-CCT-C. GRCh37 (hg19) VCF-style: chr9-131403056-CCT-C.
Other names: short protein forms E116fs.
Identifiers: ClinVar variation 1681251 (VCV001681251.6), dbSNP rs2132155831, ClinGen allele CA2573143916.

ClinVar aggregate classification (germline): Pathogenic (1 of 4 stars; one submission).

Conditions:
Short-rib thoracic dysplasia 11 with or without polydactyly (SRTD11). Also called: SHORT-RIB THORACIC DYSPLASIA 11 WITHOUT POLYDACTYLY. Identifiers: Orphanet 474, Orphanet 93271, MedGen C3810200, MONDO:0014287, OMIM 615633.

Submission:

Labcorp Genetics (formerly Invitae), Labcorp
Classification: Pathogenic for Short-rib thoracic dysplasia 11 with or without polydactyly. Last evaluated: 2021-12-10. Review status: criteria provided, single submitter. Criteria: Invitae Variant Classification Sherloc (09022015). Collection method: clinical testing. Allele origin: germline.
Comment: This sequence change creates a premature translational stop signal (p.Glu116Glyfs*17) in the WDR34 gene. It is expected to result in an absent or disrupted protein product. Loss-of-function variants in WDR34 are known to be pathogenic (PMID: 24183449, 24183451, 28379358). This variant is not present in population databases (gnomAD no frequency). This variant has not been reported in the literature in individuals affected with WDR34-related conditions. For these reasons, this variant has been classified as Pathogenic.

Literature cited by the submitters: PubMed 24183449; PubMed 24183451; PubMed 28379358.